The following is an entry in ClinVar:

NM_001261826.3(AP3D1):c.1196A>C (p.Lys399Thr)

Gene: AP3D1 (adaptor related protein complex 3 subunit delta 1; minus strand). Cytogenetic location: 19p13.3.
Variant type: single nucleotide variant.
Coding change: c.1196A>C on transcript NM_001261826.3 (MANE Select); coding-DNA position 1196, A replaced by C.
Protein change: p.Lys399Thr; replaces lysine 399 with threonine.
Molecular consequence: missense variant.
Genome position (GRCh38, 1-based): chr19:2,121,217, T>G on the plus strand (A>C on the coding strand, the complement: AP3D1 is on the minus strand). VCF-style: chr19-2121217-T-G. GRCh37 (hg19) VCF-style: chr19-2121216-T-G.
Other names: c.1196A>C, p.Lys399Thr (NM_001374799.1, NM_003938.8); short protein forms K399T.
Identifiers: ClinVar variation 3687584 (VCV003687584.2).

ClinVar aggregate classification (germline): Uncertain significance (1 of 4 stars; one submission).

Submission:

Labcorp Genetics (formerly Invitae), Labcorp
Classification: Uncertain significance. Last evaluated: 2024-07-31. Review status: criteria provided, single submitter. Criteria: Invitae Variant Classification Sherloc (09022015). Collection method: clinical testing. Allele origin: germline.
Comment: This sequence change replaces lysine, which is basic and polar, with threonine, which is neutral and polar, at codon 399 of the AP3D1 protein (p.Lys399Thr). This variant is not present in population databases (gnomAD no frequency). This variant has not been reported in the literature in individuals affected with AP3D1-related conditions. An algorithm developed to predict the effect of missense changes on protein structure and function (PolyPhen-2) suggests that this variant is likely to be disruptive. In summary, the available evidence is currently insufficient to determine the role of this variant in disease. Therefore, it has been classified as a Variant of Uncertain Significance.